The following is an entry in ClinVar:

ClinVar aggregate classification (germline): Likely pathogenic (1 of 4 stars; one submission).

Conditions:
Congenital myasthenic syndrome 10. Also called: Myasthenia, limb-girdle, familial. Identifiers: Orphanet 590, MedGen C1850792, MONDO:0009690, OMIM 254300.
Fetal akinesia deformation sequence 1 (FADS1). Also called: Pena-Shokeir syndrome type I; Fetal akinesia sequence. Identifiers: Orphanet 994, MedGen C1276035, MONDO:0100101, OMIM 208150, HP:0001989.

Submission:

Labcorp Genetics (formerly Invitae), Labcorp
Classification: Likely pathogenic for Congenital myasthenic syndrome 10; Fetal akinesia deformation sequence 1. Last evaluated: 2025-08-23. Review status: criteria provided, single submitter. Criteria: Invitae Variant Classification Sherloc (09022015). Collection method: clinical testing. Allele origin: germline.
Comment: This sequence change affects a donor splice site in intron 5 of the DOK7 gene. It is expected to disrupt RNA splicing. Variants that disrupt the donor or acceptor splice site typically lead to a loss of protein function (PMID: 16199547), and loss-of-function variants in DOK7 are known to be pathogenic (PMID: 16794080, 16917026, 18626973, 19261599). This variant is not present in population databases (gnomAD no frequency). This variant has not been reported in the literature in individuals affected with DOK7-related conditions. Algorithms developed to predict the effect of sequence changes on RNA splicing suggest that this variant may disrupt the consensus splice site. In summary, the currently available evidence indicates that the variant is pathogenic, but additional data are needed to prove that conclusively. Therefore, this variant has been classified as Likely Pathogenic.

Literature cited by the submitters: PubMed 16199547; PubMed 16794080; PubMed 16917026; PubMed 18626973; PubMed 19261599.

NM_173660.5(DOK7):c.652+1G>T

Gene: DOK7 (docking protein 7; plus strand). Cytogenetic location: 4p16.3.
Variant type: single nucleotide variant.
Coding change: c.652+1G>T on transcript NM_173660.5 (MANE Select); the canonical splice donor site of the intron after coding-DNA position 652, G replaced by T.
Molecular consequence: splice donor variant.
Genome position (GRCh38, 1-based): chr4:3,485,659, G>T. VCF-style: chr4-3485659-G-T. GRCh37 (hg19) VCF-style: chr4-3487386-G-T.
Other names: c.652+1G>T (NM_001301071.2); c.220+1G>T (NM_001363811.2); c.641+1G>T (NM_001164673.2); c.-279+1G>T (NM_001256896.2).
Identifiers: ClinVar variation 4785938 (VCV004785938.1).